The following is an entry in ClinVar:

ClinVar aggregate classification (germline): Uncertain significance. Review status: criteria provided, multiple submitters, no conflicts (2 of 4 stars). 2 submissions from 2 submitters: Uncertain significance (2). Last evaluated 2024-04-04.

Allele frequency attached by ClinVar (database versions not stated): gnomAD exomes below 0.00001; TOPMed 0.00002; gnomAD 0.00003.
gnomAD v4.1: 6 of 1,613,910 alleles (0.00037%); highest among the groups gnomAD compares: African/African-American, 0.008%; no homozygotes.

Submissions (2):

GeneDx
Classification: Uncertain significance. Last evaluated: 2024-04-04. Review status: criteria provided, single submitter. Criteria: GeneDx Variant Classification Process June 2021. Collection method: clinical testing. Allele origin: germline. Affected: yes.
Comment: Not observed in large population cohorts (gnomAD); In silico analysis supports that this missense variant has a deleterious effect on protein structure/function; Has not been previously published as pathogenic or benign to our knowledge

Labcorp Genetics (formerly Invitae), Labcorp
Classification: Uncertain significance. Last evaluated: 2024-03-06. Review status: criteria provided, single submitter. Criteria: Invitae Variant Classification Sherloc (09022015). Collection method: clinical testing. Allele origin: germline.
Comment: This sequence change replaces aspartic acid, which is acidic and polar, with asparagine, which is neutral and polar, at codon 1845 of the SCN3A protein (p.Asp1845Asn). This variant is not present in population databases (gnomAD no frequency). This variant has not been reported in the literature in individuals affected with SCN3A-related conditions. Advanced modeling of protein sequence and biophysical properties (such as structural, functional, and spatial information, amino acid conservation, physicochemical variation, residue mobility, and thermodynamic stability) performed at Invitae indicates that this missense variant is not expected to disrupt SCN3A protein function with a negative predictive value of 80%. In summary, the available evidence is currently insufficient to determine the role of this variant in disease. Therefore, it has been classified as a Variant of Uncertain Significance.

NM_006922.4(SCN3A):c.5533G>A (p.Asp1845Asn)

Gene: SCN3A (sodium voltage-gated channel alpha subunit 3; minus strand). Cytogenetic location: 2q24.3.
Variant type: single nucleotide variant.
Coding change: c.5533G>A on transcript NM_006922.4 (MANE Select); coding-DNA position 5533, G replaced by A.
Protein change: p.Asp1845Asn; replaces aspartic acid 1845 with asparagine.
Molecular consequence: missense variant.
Genome position (GRCh38, 1-based): chr2:165,090,620, C>T on the plus strand (G>A on the coding strand, the complement: SCN3A is on the minus strand). VCF-style: chr2-165090620-C-T. GRCh37 (hg19) VCF-style: chr2-165947130-C-T.
Other names: c.5386G>A, p.Asp1796Asn (NM_001081676.2, NM_001081677.2); short protein forms D1796N, D1845N.
Identifiers: ClinVar variation 3252968 (VCV003252968.3), dbSNP rs1412303887.